The following is an entry in ClinVar:

ClinVar aggregate classification (germline): Pathogenic/Likely pathogenic. Review status: criteria provided, multiple submitters, no conflicts (2 of 4 stars). 5 submissions from 5 submitters: Pathogenic (1); Likely pathogenic (4). Last evaluated 2026-02-23.

Conditions:
Cardiovascular phenotype. Identifiers: MedGen CN230736.
Dilated cardiomyopathy 1G (CMD1G). Identifiers: Orphanet 154, MedGen C1858763, MONDO:0011400, OMIM 604145.
Autosomal recessive limb-girdle muscular dystrophy type 2J (LGMDR10). Also called: MUSCULAR DYSTROPHY, LIMB-GIRDLE, AUTOSOMAL RECESSIVE 10; Limb-girdle muscular dystrophy, type 2J. Identifiers: Orphanet 140922, MedGen C1837342, MONDO:0012127, OMIM 608807.
Hypertrophic cardiomyopathy 9. Also called: Familial hypertrophic cardiomyopathy 9. Identifiers: MedGen C1861065, MONDO:0013412, OMIM 613765.
Primary dilated cardiomyopathy (DCM). Also called: Dilated Cardiomyopathy. Identifiers: Orphanet 217604, MedGen C0007193, MeSH D002311, MONDO:0005021, HP:0001644. Inheritance: Various modes of inheritance.

Submissions (5):

GeneDx
Classification: Likely pathogenic. Last evaluated: 2026-02-23. Review status: criteria provided, single submitter. Criteria: GeneDx Variant Classification Process June 2021. Collection method: clinical testing. Allele origin: germline.
Comment: Identified in a patient with DCM in published literature (PMID: 25589632); Nonsense variant predicted to result in protein truncation or nonsense mediated decay in a gene for which loss of function is a known mechanism of disease; Not observed at significant frequency in large population cohorts (gnomAD); Located in the A-band, a region of TTN for which truncating variants are significantly associated with autosomal dominant cardiomyopathy and also with autosomal recessive skeletal myopathies (PMID: 22335739, 32778822); This variant is associated with the following publications: (PMID: 25589632, 22335739, 32778822)

Ambry Genetics
Classification: Pathogenic for Cardiovascular phenotype. Last evaluated: 2024-04-29. Review status: criteria provided, single submitter. Criteria: Ambry Variant Classification Scheme 2023. Collection method: clinical testing. Allele origin: germline.
Comment: The p.W15305* pathogenic mutation (also known as c.45914G>A), located in coding exon 153 of the TTN gene, results from a G to A substitution at nucleotide position 45914. This changes the amino acid from a tryptophan to a stop codon within coding exon 153. This exon is located in the A-band region of the N2-B isoform of the titin protein and is constitutively expressed in TTN transcripts (percent spliced in or PSI 100%). This variant (also referred to as NM_001267550:c.73109G>A, p.Trp24370*) has been detected in individuals with features consistent with dilated cardiomyopathy (Roberts AM et al. Sci Transl Med, 2015 Jan;7:270ra6; Ambry internal data). This variant is considered to be rare based on population cohorts in the Genome Aggregation Database (gnomAD). This alteration is expected to result in loss of function by premature protein truncation or nonsense-mediated mRNA decay. While truncating variants in TTN are present in 1-3% of the general population, truncating variants in the A-band are the most common cause of dilated cardiomyopathy (DCM) (Herman DS et al. N. Engl. J. Med., 2012 Feb;366:619-28; Roberts AM et al. Sci Transl Med, 2015 Jan;7:270ra6). TTN truncating variants encoded in constitutive exons (PSI >90%) have been found to be significantly associated with DCM regardless of their position in titin (Schafer S et al. Nat. Genet., 2017 01;49:46-53). Based on the supporting evidence, this variant is interpreted as a disease-causing mutation.

Institute of Human Genetics, Clinical Exome/Genome Diagnostics Group, University Hospital Bonn
Classification: Likely pathogenic for Dilated cardiomyopathy 1G; Hypertrophic cardiomyopathy 9. Last evaluated: 2023-11-07. Review status: criteria provided, single submitter. Criteria: ACMG Guidelines, 2015. Collection method: clinical testing. Allele origin: germline.

Labcorp Genetics (formerly Invitae), Labcorp
Classification: Likely pathogenic for Dilated cardiomyopathy 1G; Autosomal recessive limb-girdle muscular dystrophy type 2J. Last evaluated: 2023-08-30. Review status: criteria provided, single submitter. Criteria: Invitae Variant Classification Sherloc (09022015). Collection method: clinical testing. Allele origin: germline.
Comment: This sequence change creates a premature translational stop signal (p.Trp24370*) in the TTN gene. While this is not anticipated to result in nonsense mediated decay, it is expected to create a truncated TTN protein. This variant is not present in population databases (gnomAD no frequency). This premature translational stop signal has been observed in individual(s) with dilated cardiomyopathy (PMID: 25589632). ClinVar contains an entry for this variant (Variation ID: 223381). This variant is located in the A band of TTN (PMID: 25589632). Truncating variants in this region are significantly overrepresented in patients affected with dilated cardiomyopathy (PMID: 25589632). Truncating variants in this region have also been reported in individuals affected with autosomal recessive centronuclear myopathy (PMID: 23975875). In summary, the currently available evidence indicates that the variant is pathogenic, but additional data are needed to prove that conclusively. Therefore, this variant has been classified as Likely Pathogenic.

Cardiovascular Biomedical Research Unit, Royal Brompton & Harefield NHS Foundation Trust
Classification: Likely pathogenic for Primary dilated cardiomyopathy. Last evaluated: 2014-10-08. Review status: criteria provided, single submitter. Criteria: Roberts et al. 2015. Collection method: research. Allele origin: germline. Inheritance: Autosomal dominant inheritance. Affected: yes. Observed: 1 variant allele. Study: Familial DCM.
Comment: In the seven cohorts assessed, TTNtv were found in 14% of ambulant DCM, 22% end-stage or familial DCM, and 2% controls. Heterozygous nonsense, frameshift and canonical splice-disrupting variants found in constitutive and other highly utilised exons are highly likely to be pathogenic when identified in individuals with phenotypically confirmed DCM. TTNtv found incidentally in healthy individuals (excluding familial assessment of DCM relatives) are thought to have low penetrance, particularly when identified in exons that are not constitutively expressed in the heart.

Literature cited by the submitters: PubMed 25589632 (cited by Ambry Genetics and Labcorp Genetics (formerly Invitae), Labcorp); PubMed 23975875 (cited by Labcorp Genetics (formerly Invitae), Labcorp).

NM_001267550.2(TTN):c.73109G>A (p.Trp24370Ter)

Genes: TTN (titin; minus strand), TTN-AS1 (TTN antisense RNA 1; plus strand). Cytogenetic location: 2q31.2.
Variant type: single nucleotide variant.
Coding change: c.73109G>A on transcript NM_001267550.2 (MANE Select); coding-DNA position 73109, G replaced by A.
Protein change: p.Trp24370Ter; replaces tryptophan 24370 with a stop codon.
Molecular consequence: nonsense.
Genome position (GRCh38, 1-based): chr2:178,573,023, C>T on the plus strand (G>A on the coding strand, the complement: TTN is on the minus strand). VCF-style: chr2-178573023-C-T. GRCh37 (hg19) VCF-style: chr2-179437750-C-T.
Other names: c.68186G>A, p.Trp22729Ter (NM_001256850.1); c.45914G>A, p.Trp15305Ter (NM_003319.4); c.65405G>A, p.Trp21802Ter (NM_133378.4); c.46289G>A, p.Trp15430Ter (NM_133432.3); c.46490G>A, p.Trp15497Ter (NM_133437.4); c.73109G>A (LRG_391t1, NM_001267550.1); short protein forms W24370*, W15497*, W15305*, W15430*, W21802*, W22729*.
Identifiers: ClinVar variation 223381 (VCV000223381.7), dbSNP rs869312115, ClinGen allele CA353396.